The following is an entry in ClinVar:

NM_033305.3(VPS13A):c.9515C>T (p.Pro3172Leu)

Gene: VPS13A (vacuolar protein sorting 13 homolog A; plus strand). Cytogenetic location: 9q21.2.
Variant type: single nucleotide variant.
Coding change: c.9515C>T on transcript NM_033305.3 (MANE Select); coding-DNA position 9515, C replaced by T.
Protein change: p.Pro3172Leu; replaces proline 3172 with leucine.
Molecular consequence: missense variant.
Genome position (GRCh38, 1-based): chr9:77,415,996, C>T. VCF-style: chr9-77415996-C-T. GRCh37 (hg19) VCF-style: chr9-80030912-C-T.
Other names: c.9398C>T, p.Pro3133Leu (NM_001018037.2); short protein forms P3133L, P3172L.
Identifiers: ClinVar variation 2149049 (VCV002149049.1), dbSNP rs75740713, ClinGen allele CA5094103.
Genomic context (GRCh38, chr9:77,415,996, plus strand): 5'-CATTTATTTTCCCACCGCAGTGGATCCTCACAAAGCTACAAGAAGCAAGAGAACCTTCTC[C>T]GAGCCTCTGACAGAGAACACTGCCTGAAGACACACAGCAATAAGTGATTACAGCTCCTAG-3'
Protein context (NP_150648.2, residues 3162-3174): TKLQEAREPS[Pro3172Leu]SL

ClinVar aggregate classification (germline): Uncertain significance (1 of 4 stars; one submission).

Allele frequency attached by ClinVar (database versions not stated): TOPMed 0.00003; ExAC 0.00005; gnomAD 0.00005; gnomAD exomes 0.00005; ESP Exome Variant Server 0.00008; 1000 Genomes Project 0.00060; 1000 Genomes Project 30x 0.00062.
gnomAD v4.1: 79 of 1,613,394 alleles (0.0049%); highest among the groups gnomAD compares: South Asian, 0.037%; 1 homozygote.

Submission:

Labcorp Genetics (formerly Invitae), Labcorp
Classification: Uncertain significance. Last evaluated: 2022-06-29. Review status: criteria provided, single submitter. Criteria: Invitae Variant Classification Sherloc (09022015). Collection method: clinical testing. Allele origin: germline.
Comment: This sequence change replaces proline, which is neutral and non-polar, with leucine, which is neutral and non-polar, at codon 3172 of the VPS13A protein (p.Pro3172Leu). This variant is present in population databases (rs75740713, gnomAD 0.03%). This missense change has been observed in individual(s) with choreoacanthocytosis (PMID: 12404112). Algorithms developed to predict the effect of missense changes on protein structure and function (SIFT, PolyPhen-2, Align-GVGD) all suggest that this variant is likely to be tolerated. In summary, the available evidence is currently insufficient to determine the role of this variant in disease. Therefore, it has been classified as a Variant of Uncertain Significance.

Literature cited by the submitters: PubMed 12404112.